The following is an entry in ClinVar:

ClinVar aggregate classification (germline): Benign. Review status: criteria provided, multiple submitters, no conflicts (2 of 4 stars). 11 submissions from 11 submitters: Benign (7). 4 of the submissions do not count toward it. Last evaluated 2026-02-04.

Conditions:
Alstrom syndrome (ALMS). Identifiers: Orphanet 64, MedGen C0268425, MONDO:0008763, OMIM 203800.
Cardiovascular phenotype. Identifiers: MedGen CN230736.

Allele frequency attached by ClinVar (database versions not stated): gnomAD exomes 0.24400 and 0.26664; ExAC 0.26990; 1000 Genomes Project 0.36382; 1000 Genomes Project 30x 0.38195; gnomAD 0.38889 and 0.40522; ESP Exome Variant Server 0.39536; TOPMed 0.41589.
gnomAD v4.1: 415,911 of 1,613,406 alleles (26%); highest among the groups gnomAD compares: African/African-American, 77%; 66,846 homozygotes.

Submissions (11):

Labcorp Genetics (formerly Invitae), Labcorp
Classification: Benign for Alstrom syndrome. Last evaluated: 2026-02-04. Review status: criteria provided, single submitter. Criteria: Invitae Variant Classification Sherloc (09022015). Collection method: clinical testing. Allele origin: germline.

Blueprint Genetics
Classification: Benign. Last evaluated: 2024-11-26. Review status: criteria provided, single submitter. Criteria: ACMG Guidelines, 2015. Collection method: clinical testing. Allele origin: germline.

Genome-Nilou Lab
Classification: Benign for Alstrom syndrome. Last evaluated: 2021-07-14. Review status: criteria provided, single submitter. Criteria: ACMG Guidelines, 2015. Collection method: clinical testing. Allele origin: germline. Affected: no.

Ambry Genetics
Classification: Benign for Cardiovascular phenotype. Last evaluated: 2018-12-21. Review status: criteria provided, single submitter. Criteria: Ambry Variant Classification Scheme 2023. Collection method: clinical testing. Allele origin: germline.

GeneDx
Classification: Benign. Last evaluated: 2016-09-09. Review status: criteria provided, single submitter. Criteria: GeneDx Variant Classification (06012015). Collection method: clinical testing. Allele origin: germline. Affected: yes.
Comment: This variant is considered likely benign or benign based on one or more of the following criteria: it is a conservative change, it occurs at a poorly conserved position in the protein, it is predicted to be benign by multiple in silico algorithms, and/or has population frequency not consistent with disease.

Laboratory for Molecular Medicine, Mass General Brigham Personalized Medicine
Classification: Benign. Last evaluated: 2016-03-21. Review status: criteria provided, single submitter. Criteria: LMM Criteria. Collection method: clinical testing. Allele origin: germline. Observed: 140 variant alleles.
Comment: p.Ser2111Arg in exon 8 of ALMS1: This variant is not expected to have clinical s ignificance because it has been identified in 87.75% (1160/1322) of African chro mosomes by the 1000 Genomes Project (Phase 3; dbSNP rs6724782).

Breakthrough Genomics
Classification: Benign. Review status: criteria provided, single submitter. Criteria: ACMG Guidelines, 2015. Collection method: not provided. Allele origin: germline. Inheritance: Autosomal recessive inheritance. Affected: yes.

Natera, Inc.
Classification: Benign for Alstrom syndrome. Last evaluated: 2020-09-16. Review status: no assertion criteria provided. Collection method: clinical testing. Allele origin: germline. Not counted in ClinVar's aggregate classification.

Clinical Genetics, Academic Medical Center
Classification: Benign. Review status: no assertion criteria provided. Collection method: clinical testing. Allele origin: germline. Affected: yes. Study: VKGL Data-share Consensus. Not counted in ClinVar's aggregate classification.

Diagnostic Laboratory, Department of Genetics, University Medical Center Groningen
Classification: Benign. Review status: no assertion criteria provided. Collection method: clinical testing. Allele origin: germline. Affected: yes. Study: VKGL Data-share Consensus. Not counted in ClinVar's aggregate classification.

Joint Genome Diagnostic Labs from Nijmegen and Maastricht, Radboudumc and MUMC+
Classification: Benign. Review status: no assertion criteria provided. Collection method: clinical testing. Allele origin: germline. Affected: yes. Study: VKGL Data-share Consensus. Not counted in ClinVar's aggregate classification.

NM_001378454.1(ALMS1):c.6336T>A (p.Ser2112Arg)

Gene: ALMS1 (ALMS1 centrosome and basal body associated protein; plus strand). Cytogenetic location: 2p13.1.
Variant type: single nucleotide variant.
Coding change: c.6336T>A on transcript NM_001378454.1 (MANE Select); coding-DNA position 6336, T replaced by A.
Protein change: p.Ser2112Arg; replaces serine 2112 with arginine.
Molecular consequence: missense variant.
Genome position (GRCh38, 1-based): chr2:73,452,863, T>A. VCF-style: chr2-73452863-T-A. GRCh37 (hg19) VCF-style: chr2-73679990-T-A.
Other names: c.6339T>A, p.Ser2113Arg (NM_015120.4); short protein forms S2113R, S2112R.
Identifiers: ClinVar variation 383759 (VCV000383759.30), dbSNP rs6724782, ClinGen allele CA1714050.
Genomic context (GRCh38, chr2:73,452,863, plus strand): 5'-TAGTTCTTATTTTCACAGAGAGAAATCGAATATTTTCAGTCCACAGGAATTGCCAGGTAG[T>A]CATGTAACTGAAGATGTGCTGAAGGTTTCAACAATTCCTGGACCAGCTGGCCAGAAAACA-3'
Protein context (NP_001365383.1, residues 2102-2122): NIFSPQELPG[Ser2112Arg]HVTEDVLKVS